The following is an entry in ClinVar:

ClinVar aggregate classification (germline): Uncertain significance (1 of 4 stars; one submission).

Allele frequency attached by ClinVar (database versions not stated): gnomAD exomes below 0.00001.
gnomAD v4.1: 8 of 1,613,738 alleles (0.0005%); highest among the groups gnomAD compares: Non-Finnish European, 0.00068%; no homozygotes.

Submission:

Labcorp Genetics (formerly Invitae), Labcorp
Classification: Uncertain significance. Last evaluated: 2021-06-29. Review status: criteria provided, single submitter. Criteria: Invitae Variant Classification Sherloc (09022015). Collection method: clinical testing. Allele origin: germline.
Comment: In summary, the available evidence is currently insufficient to determine the role of this variant in disease. Therefore, it has been classified as a Variant of Uncertain Significance. Experimental studies and prediction algorithms are not available or were not evaluated, and the functional significance of this variant is currently unknown. This variant has not been reported in the literature in individuals affected with LTBP4-related conditions. This variant is not present in population databases (ExAC no frequency). This sequence change replaces arginine with glutamine at codon 37 of the LTBP4 protein (p.Arg37Gln). The arginine residue is moderately conserved and there is a small physicochemical difference between arginine and glutamine.

NM_003573.2(LTBP4):c.110G>A (p.Arg37Gln)

Gene: LTBP4 (latent transforming growth factor beta binding protein 4; plus strand). Cytogenetic location: 19q13.2.
Variant type: single nucleotide variant.
Coding change: c.110G>A on transcript NM_003573.2; coding-DNA position 110, G replaced by A.
Protein change: p.Arg37Gln; replaces arginine 37 with glutamine.
Molecular consequence: missense variant.
Genome position (GRCh38, 1-based): chr19:40,599,436, G>A. VCF-style: chr19-40599436-G-A. GRCh37 (hg19) VCF-style: chr19-41105342-G-A.
Other names: c.221G>A, p.Arg74Gln (NM_001042544.1); short protein forms R37Q, R74Q.
Identifiers: ClinVar variation 1413233 (VCV001413233.5), dbSNP rs576112520, ClinGen allele CA405929737.